The following is an entry in ClinVar:

NM_001453.3(FOXC1):c.476ACA[1] (p.Asn160del)

Gene: FOXC1 (forkhead box C1; plus strand). Cytogenetic location: 6p25.3.
Variant type: Microsatellite.
Coding change: c.476ACA[1] on transcript NM_001453.3 (MANE Select); one copy of the 3-base unit ACA starting at c.476; the reference has two copies in a row; one copy, 3 bases deleted; also written c.479_481del.
Protein change: p.Asn160del; deletes asparagine 160.
Molecular consequence: inframe deletion.
Genome position (GRCh38, 1-based): chr6:1,610,924-1,610,926, ACA deleted; deleting any 3 consecutive bases within chr6:1,610,921-1,610,926 gives the same sequence; the position shown is the placement nearest the transcript's 3' end. VCF-style (leftmost placement, unchanged base first): chr6-1610920-TACA-T. GRCh37 (hg19) VCF-style: chr6-1611155-TACA-T.
Other names: c.479_481del (NM_001453.3); c.479_481delACA (NM_001453.2); short protein forms N160del.
Identifiers: ClinVar variation 1507910 (VCV001507910.15), dbSNP rs2113111795, ClinGen allele CA2580614817.

ClinVar aggregate classification (germline): Conflicting classifications of pathogenicity. Review status: criteria provided, conflicting classifications (1 of 4 stars). 5 submissions from 5 submitters: Pathogenic (1); Likely pathogenic (1); Uncertain significance (3). Last evaluated 2025-10-08.

Conditions:
FOXC1-related disorder. Also called: FOXC1-related condition.
Anterior segment dysgenesis 3 (ASGD3). Also called: Glaucoma iridogoniodysplasia, familial; IRIDOGONIODYSGENESIS ANOMALY, AUTOSOMAL DOMINANT. Identifiers: Orphanet 91483, MedGen C5975707, MONDO:0024456, OMIM 601631.
Axenfeld-Rieger syndrome type 3 (RIEG3). Also called: AXENFELD-RIEGER ANOMALY WITH CARDIAC DEFECTS AND/OR SENSORINEURAL HEARING LOSS. Identifiers: Orphanet 782, MedGen C2678503, MONDO:0011233, OMIM 602482.
Structural eye disease.

Submissions (5):

Genetics Laboratory, Great Ormond Street Hospital NHS Foundation Trust, North Thames Genomic Laboratory Hub
Classification: Likely pathogenic for Structural eye disease. Last evaluated: 2025-10-08. Review status: criteria provided, single submitter. Criteria: ACGS Best Practice Guidelines for Variant Classification in Rare Disease 2024 v1.2. Collection method: clinical testing. Allele origin: germline. Affected: yes.
Comment: PS4_moderate, PM2_moderate, PM4_supporting, PP4_supporting

PreventionGenetics, part of Exact Sciences
Classification: Uncertain significance for FOXC1-related condition. Last evaluated: 2024-12-27. Review status: criteria provided, single submitter. Criteria: ACMG Guidelines, 2015. Collection method: clinical testing. Allele origin: germline.
Comment: The FOXC1 c.479_481delACA variant is predicted to result in an in-frame deletion (p.Asn160del). This variant has been reported in two individuals with Axenfeld-Rieger anomaly or an anterior segment abnormality (Table S1, Prem Senthil et al. 2022. PubMed ID: 35354164; Panigrahi et al. 2023. PubMed ID: 36229274). This variant has not been reported in a large population database (gnomAD), indicating it is rare. Although we suspect that this variant may be pathogenic, at this time, the clinical significance of this variant is uncertain due to the absence of conclusive functional and genetic evidence.

GeneDx
Classification: Pathogenic. Last evaluated: 2024-08-19. Review status: criteria provided, single submitter. Criteria: GeneDx Variant Classification Process June 2021. Collection method: clinical testing. Allele origin: germline. Affected: yes.
Comment: Identified in patients with Axenfeld-Rieger anomaly in the published literature (PMID: 35354164, 36229274); Not observed at significant frequency in large population cohorts (gnomAD); In silico analysis supports a deleterious effect on protein structure/function; In-frame deletion of 1 amino acid in a non-repeat region; This variant is associated with the following publications: (PMID: 36229274, 35354164)

Labcorp Genetics (formerly Invitae), Labcorp
Classification: Uncertain significance for Axenfeld-Rieger syndrome type 3. Last evaluated: 2020-12-14. Review status: criteria provided, single submitter. Criteria: Invitae Variant Classification Sherloc (09022015). Collection method: clinical testing. Allele origin: germline.
Comment: This variant is not present in population databases (ExAC no frequency). This variant, c.479_481del, results in the deletion of 1 amino acid(s) of the FOXC1 protein (p.Asn160del), but otherwise preserves the integrity of the reading frame. This variant has not been reported in the literature in individuals with FOXC1-related conditions. In summary, the available evidence is currently insufficient to determine the role of this variant in disease. Therefore, it has been classified as a Variant of Uncertain Significance. Experimental studies and prediction algorithms are not available or were not evaluated, and the functional significance of this variant is currently unknown.

Juno Genomics, Hangzhou Juno Genomics, Inc
Classification: Uncertain significance for Anterior segment dysgenesis 3; Axenfeld-Rieger syndrome type 3. Review status: criteria provided, single submitter. Criteria: ACMG Guidelines, 2015. Collection method: clinical testing. Allele origin: germline. Affected: yes.
Comment: Absent from controls (or at extremely low frequency if recessive) in Genome Aggregation Database, Exome Sequencing Project, 1000 Genomes Project, or Exome Aggregation Consortium.;Protein length changes due to in-frame deletions/insertions in a non-repeat region or stop-loss variants.;The prevalence of the variant in affected individuals is significantly increased compared to the prevalence in controls.;Patient's phenotype or family history is highly specific for a disease with a single genetic etiology.